The following is an entry in ClinVar:

NM_000228.3(LAMB3):c.69_70del (p.Ala25fs)

Gene: LAMB3 (laminin subunit beta 3; minus strand). Cytogenetic location: 1q32.2.
Variant type: Deletion.
Coding change: c.69_70del on transcript NM_000228.3 (MANE Select); coding-DNA positions 69 to 70, 2 bases deleted (TG; older notation c.69_70delTG).
Protein change: p.Ala25fs; shifts the reading frame from alanine 25.
Molecular consequence: frameshift variant.
Genome position (GRCh38, 1-based): chr1:209,650,077-209,650,078, CA deleted on the plus strand (TG on the coding strand, the reverse complement: LAMB3 is on the minus strand); deleting any 2 consecutive bases within chr1:209,650,077-209,650,079 gives the same sequence; the c. name uses the placement nearest the transcript's 3' end. VCF-style (leftmost placement, unchanged base first): chr1-209650076-CCA-C. GRCh37 (hg19) VCF-style: chr1-209823421-CCA-C.
Other names: c.69_70del, p.Ala25fs (NM_001017402.2, NM_001127641.1); short protein forms A25fs.
Identifiers: ClinVar variation 370941 (VCV000370941.9), dbSNP rs1057516884, ClinGen allele CA16040710.

ClinVar aggregate classification (germline): Pathogenic. Review status: criteria provided, single submitter (1 of 4 stars). 2 submissions from 2 submitters: Pathogenic (1). 1 of the submissions does not count toward it. Last evaluated 2024-04-25.

Conditions:
Junctional epidermolysis bullosa gravis of Herlitz. Also called: Epidermolysis Bullosa Letalis; Herlitz-type junctional epidermolysis bullosa; EPIDERMOLYSIS BULLOSA, JUNCTIONAL 1B, SEVERE; EPIDERMOLYSIS BULLOSA JUNCTIONALIS, HERLITZ TYPE; EPIDERMOLYSIS BULLOSA, JUNCTIONAL, HERLITZ-PEARSON TYPE; JEB-HERLITZ TYPE. Identifiers: Orphanet 79404, MedGen C0079683, MONDO:0009182, OMIM 226700.

Submissions (2):

Labcorp Genetics (formerly Invitae), Labcorp
Classification: Pathogenic. Last evaluated: 2024-04-25. Review status: criteria provided, single submitter. Criteria: Invitae Variant Classification Sherloc (09022015). Collection method: clinical testing. Allele origin: germline.
Comment: This sequence change creates a premature translational stop signal (p.Ala25Leufs*28) in the LAMB3 gene. It is expected to result in an absent or disrupted protein product. Loss-of-function variants in LAMB3 are known to be pathogenic (PMID: 11023379, 16473856). This variant is not present in population databases (gnomAD no frequency). This variant has not been reported in the literature in individuals affected with LAMB3-related conditions. ClinVar contains an entry for this variant (Variation ID: 370941). For these reasons, this variant has been classified as Pathogenic.

Counsyl
Classification: Likely pathogenic for Junctional epidermolysis bullosa gravis of Herlitz. Last evaluated: 2016-05-19. Review status: no assertion criteria provided. Collection method: clinical testing. Allele origin: unknown. Not counted in ClinVar's aggregate classification.

Literature cited by the submitters: PubMed 11023379 (cited by Labcorp Genetics (formerly Invitae), Labcorp); PubMed 16473856 (cited by Labcorp Genetics (formerly Invitae), Labcorp).